The following is an entry in ClinVar:

ClinVar aggregate classification (germline): Likely benign. Review status: criteria provided, multiple submitters, no conflicts (2 of 4 stars). 4 submissions from 4 submitters: Likely benign (3). 1 of the submissions does not count toward it. Last evaluated 2026-02-01.

Conditions:
TOP3A-related disorder. Also called: TOP3A-related disorders; TOP3A-related condition.

Allele frequency attached by ClinVar (database versions not stated): ESP Exome Variant Server 0.00008; ExAC 0.00034; TOPMed 0.00040; gnomAD 0.00043; gnomAD exomes 0.00068.
gnomAD v4.1: 1,044 of 1,613,904 alleles (0.065%); highest among the groups gnomAD compares: Non-Finnish European, 0.084%; 1 homozygote.

Submissions (4):

CeGaT Center for Human Genetics Tuebingen
Classification: Likely benign. Last evaluated: 2026-02-01. Review status: criteria provided, single submitter. Criteria: CeGaT Center For Human Genetics Tuebingen Variant Classification Criteria Version 2. Collection method: clinical testing. Allele origin: germline. Affected: yes. Observed: 2 variant alleles.
Comment: TOP3A: BP4, BP7

Labcorp Genetics (formerly Invitae), Labcorp
Classification: Likely benign. Last evaluated: 2025-12-17. Review status: criteria provided, single submitter. Criteria: Invitae Variant Classification Sherloc (09022015). Collection method: clinical testing. Allele origin: germline.

Blueprint Genetics
Classification: Likely benign. Last evaluated: 2024-09-20. Review status: criteria provided, single submitter. Criteria: ACMG Guidelines, 2015. Collection method: clinical testing. Allele origin: germline.

PreventionGenetics, part of Exact Sciences
Classification: Likely benign for TOP3A-related condition. Last evaluated: 2019-10-28. Review status: no assertion criteria provided. Collection method: clinical testing. Allele origin: germline. Not counted in ClinVar's aggregate classification.
Comment: This variant is classified as likely benign based on ACMG/AMP sequence variant interpretation guidelines (Richards et al. 2015 PMID: 25741868, with internal and published modifications).

NM_004618.5(TOP3A):c.1008T>C (p.Ala336=)

Gene: TOP3A (DNA topoisomerase III alpha; minus strand). Cytogenetic location: 17p11.2.
Variant type: single nucleotide variant.
Coding change: c.1008T>C on transcript NM_004618.5 (MANE Select); coding-DNA position 1008, T replaced by C.
Protein change: p.Ala336=; no amino-acid change (alanine 336 retained).
Molecular consequence: synonymous variant.
Genome position (GRCh38, 1-based): chr17:18,294,768, A>G on the plus strand (T>C on the coding strand, the complement: TOP3A is on the minus strand). VCF-style: chr17-18294768-A-G. GRCh37 (hg19) VCF-style: chr17-18198082-A-G.
Other names: c.723T>C, p.Ala241= (NM_001320759.2); c.1008T>C (NM_004618.4).
Identifiers: ClinVar variation 2067668 (VCV002067668.30), dbSNP rs149207949, ClinGen allele CA8430027.
Genomic context (GRCh38, chr17:18,294,768, plus strand): 5'-AGTGTAGAGCTTCTCAGCAATCCTCATGGTTTCTTTAGCATTTATTCTCAACTTTCGAGA[A>G]GCCAGCTTCTCAAGCTCCTGTGAAATGGGTCAACAGGCATGTTAGGTGTACTGCATGGGT-3'
Protein context (NP_004609.1, residues 326-346): ALDTVELEKL[Ala336=]SRKLRINAKE